The following is an entry in ClinVar:

NC_000009.12:g.35658040_35658045dup

Gene: RMRP (RNA component of mitochondrial RNA processing endoribonuclease; minus strand). Cytogenetic location: 9p13.3.
Variant type: Duplication.
Genome position: GRCh38 VCF-style: chr9-35658038-G-GTAGTAT. GRCh37 (hg19) VCF-style: chr9-35658035-G-GTAGTAT.
Identifiers: ClinVar variation 4704717 (VCV004704717.1).

ClinVar aggregate classification (germline): Pathogenic (1 of 4 stars; one submission).

Conditions:
Anauxetic dysplasia. Identifiers: Orphanet 93347, MedGen C1846796, MONDO:0011773.

Submission:

Labcorp Genetics (formerly Invitae), Labcorp
Classification: Pathogenic for Anauxetic dysplasia. Last evaluated: 2025-11-18. Review status: criteria provided, single submitter. Criteria: Invitae Variant Classification Sherloc (09022015). Collection method: clinical testing. Allele origin: germline.
Comment: This variant occurs in the RMRP gene, which encodes an RNA molecule that does not result in a protein product. This variant is present in population databases (no rsID available, gnomAD 0.02%). While this particular variant has not been reported in the literature, it is located in the promoter region between the TATA box and the transcription initiation site, and other insertions and duplications immediately upstream of the coding sequence have been reported in individuals affected with cartilage-hair hypoplasia-anauxetic dysplasia (CHH-AD) spectrum disorders (PMID: 16244706, 11207361, 12107819). While functional studies for this variant have not been reported, experimental analyses using patient derived cells, as well as in vitro transfection studies, have shown that promoter insertions result in silencing of RMRP transcription and reduced expression of the gene product (PMID: 11207361, 16254002). For these reasons, this variant has been classified as Pathogenic.

Literature cited by the submitters: PubMed 16244706; PubMed 11207361; PubMed 12107819; PubMed 16254002.